The following is an entry in ClinVar:

NM_138927.4(SON):c.2132del (p.Pro711fs)

Gene: SON (SON DNA and RNA binding protein; plus strand). Cytogenetic location: 21q22.11.
Variant type: Deletion.
Coding change: c.2132del on transcript NM_138927.4 (MANE Select); coding-DNA position 2132, one base deleted (C; older notation c.2132delC).
Protein change: p.Pro711fs; shifts the reading frame from proline 711.
Molecular consequence: frameshift variant. On other transcripts: non-coding transcript variant (1), intron variant (1).
Genome position (GRCh38, 1-based): chr21:33,551,363, C deleted; the last of 4 consecutive C bases (chr21:33,551,360-33,551,363); deleting any one gives the same sequence. VCF-style (leftmost placement, unchanged base first): chr21-33551359-GC-G. GRCh37 (hg19) VCF-style: chr21-34923665-GC-G.
Other names: c.2132del, p.Pro711fs (NM_001291411.2, NM_032195.3); c.244+4984del (NM_001291412.3); short protein forms P711fs.
Identifiers: ClinVar variation 3348724 (VCV003348724.1).

ClinVar aggregate classification (germline): Likely pathogenic (0 of 4 stars; one submission).

Conditions:
SON-related disorder. Also called: SON-related condition.

Submission:

PreventionGenetics, part of Exact Sciences
Classification: Likely pathogenic for SON-related condition. Last evaluated: 2024-04-19. Review status: no assertion criteria provided. Collection method: clinical testing. Allele origin: germline.
Comment: The SON c.2132delC variant is predicted to result in a frameshift and premature protein termination (p.Pro711Glnfs*6). To our knowledge, this variant has not been reported in the literature or in gnomAD, indicating this variant is rare. Frameshift variants in SON are expected to be pathogenic. This variant is interpreted as likely pathogenic.